The following is an entry in ClinVar:

NM_030653.4(DDX11):c.1623G>A (p.Thr541=)

Gene: DDX11 (DEAD/H-box helicase 11; plus strand). Cytogenetic location: 12p11.21.
Variant type: single nucleotide variant.
Coding change: c.1623G>A on transcript NM_030653.4 (MANE Select); coding-DNA position 1623, G replaced by A.
Protein change: p.Thr541=; no amino-acid change (threonine 541 retained).
Molecular consequence: synonymous variant.
Genome position (GRCh38, 1-based): chr12:31,096,738, G>A. VCF-style: chr12-31096738-G-A. GRCh37 (hg19) VCF-style: chr12-31249672-G-A.
Other names: c.1623G>A, p.Thr541= (NM_001257144.2, NM_004399.3, NM_152438.2); c.1545G>A, p.Thr515= (NM_001257145.2).
Identifiers: ClinVar variation 710969 (VCV000710969.7), dbSNP rs769419349, ClinGen allele CA6501413.

ClinVar aggregate classification (germline): Likely benign. Review status: criteria provided, multiple submitters, no conflicts (2 of 4 stars). 2 submissions from 2 submitters: Likely benign (2). Last evaluated 2026-03-01.

Allele frequency attached by ClinVar (database versions not stated): gnomAD 0.00007; TOPMed 0.00011; ExAC 0.00019; gnomAD exomes 0.00027.

Submissions (2):

CeGaT Center for Human Genetics Tuebingen
Classification: Likely benign. Last evaluated: 2026-03-01. Review status: criteria provided, single submitter. Criteria: CeGaT Center For Human Genetics Tuebingen Variant Classification Criteria Version 2. Collection method: clinical testing. Allele origin: germline. Affected: yes. Observed: 1 variant allele.
Comment: DDX11: BP4, BP7

Labcorp Genetics (formerly Invitae), Labcorp
Classification: Likely benign. Last evaluated: 2018-04-17. Review status: criteria provided, single submitter. Criteria: Invitae Variant Classification Sherloc (09022015). Collection method: clinical testing. Allele origin: germline.